The following is an entry in ClinVar:

NM_000431.4(MVK):c.451G>T (p.Val151Leu)

Gene: MVK (mevalonate kinase; plus strand). Cytogenetic location: 12q24.11.
Variant type: single nucleotide variant.
Coding change: c.451G>T on transcript NM_000431.4 (MANE Select); coding-DNA position 451, G replaced by T.
Protein change: p.Val151Leu; replaces valine 151 with leucine.
Molecular consequence: missense variant. On other transcripts: intron variant (1).
Genome position (GRCh38, 1-based): chr12:109,581,474, G>T. VCF-style: chr12-109581474-G-T. GRCh37 (hg19) VCF-style: chr12-110019279-G-T.
Other names: c.451G>T, p.Val151Leu (NM_001114185.3); c.371+1528G>T (NM_001301182.2); short protein forms V151L.
Identifiers: ClinVar variation 1347991 (VCV001347991.6), dbSNP rs1885215026, ClinGen allele CA386646237.

ClinVar aggregate classification (germline): Uncertain significance (1 of 4 stars; one submission).

Conditions:
Hyperimmunoglobulin D with periodic fever (HIDS). Also called: Hyperimmunoglobulinemia D with periodic fever; HYPERIMMUNOGLOBULINEMIA D AND PERIODIC FEVER SYNDROME; Hyperimmunoglobulinemia D. Identifiers: Orphanet 343, MedGen C0398691, MONDO:0009849, OMIM 260920.
Mevalonic aciduria (MEVA). Identifiers: Orphanet 29, MedGen C1959626, MONDO:0012481, OMIM 610377.
Porokeratosis 3, disseminated superficial actinic type (POROK3). Also called: POROKERATOSIS 3, MULTIPLE TYPES; POROKERATOSIS 3, MIBELLI TYPE; POROKERATOSIS, DISSEMINATED SUPERFICIAL ACTINIC, 1. Identifiers: MedGen C1867981, MONDO:0008293, OMIM 175900.

gnomAD v4.1: 1 of 1,614,196 alleles (0.000062%); highest among the groups gnomAD compares: Non-Finnish European, 0.000085%; no homozygotes.

Submission:

Labcorp Genetics (formerly Invitae), Labcorp
Classification: Uncertain significance for Mevalonic aciduria; Hyperimmunoglobulin D with periodic fever; Porokeratosis 3, disseminated superficial actinic type. Last evaluated: 2021-10-28. Review status: criteria provided, single submitter. Criteria: Invitae Variant Classification Sherloc (09022015). Collection method: clinical testing. Allele origin: germline.
Comment: In summary, the available evidence is currently insufficient to determine the role of this variant in disease. Therefore, it has been classified as a Variant of Uncertain Significance. Advanced modeling of protein sequence and biophysical properties (such as structural, functional, and spatial information, amino acid conservation, physicochemical variation, residue mobility, and thermodynamic stability) performed at Invitae indicates that this missense variant is expected to disrupt MVK protein function. This variant has not been reported in the literature in individuals affected with MVK-related conditions. This variant is not present in population databases (gnomAD no frequency). This sequence change replaces valine, which is neutral and non-polar, with leucine, which is neutral and non-polar, at codon 151 of the MVK protein (p.Val151Leu).